The following is an entry in ClinVar:

NM_002878.4(RAD51D):c.187G>A (p.Ala63Thr)

Genes: RAD51D (RAD51 paralog D; minus strand), RAD51L3-RFFL (RAD51L3-RFFL readthrough; minus strand). Cytogenetic location: 17q12.
Variant type: single nucleotide variant.
Coding change: c.187G>A on transcript NM_002878.4 (MANE Select); coding-DNA position 187, G replaced by A.
Protein change: p.Ala63Thr; replaces alanine 63 with threonine.
Molecular consequence: missense variant. On other transcripts: intron variant (2).
Genome position (GRCh38, 1-based): chr17:35,118,577, C>T on the plus strand (G>A on the coding strand, the complement: RAD51D is on the minus strand). VCF-style: chr17-35118577-C-T. GRCh37 (hg19) VCF-style: chr17-33445596-C-T.
Other names: c.144+534G>A (NM_133629.3, NM_001142571.2); short protein forms A63T.
Identifiers: ClinVar variation 820232 (VCV000820232.17), dbSNP rs777402267, ClinGen allele CA8499633.
Genomic context (GRCh38, chr17:35,118,577, plus strand): 5'-ACAGGATGGCAGTGGAGGTCTTCAGTTCCTCGTAGAGATCAGCGCCATTCACGGGGAAAG[C>T]CGAGAACTGAGCCAGCAGCACCCGCCTCAGGGCAACCAGGGCCTGCCAAAGGGCCCCAGA-3'
Protein context (NP_002869.3, residues 53-73): LRRVLLAQFS[Ala63Thr]FPVNGADLYE

ClinVar aggregate classification (germline): Uncertain significance. Review status: criteria provided, multiple submitters, no conflicts (2 of 4 stars). 5 submissions from 5 submitters: Uncertain significance (5). Last evaluated 2026-02-01.

Conditions:
RAD51D-related cancer predisposition. Identifiers: MedGen CN377763, MONDO:0700274.
Hereditary cancer-predisposing syndrome. Also called: Hereditary Cancer Syndrome; Hereditary neoplastic syndrome; Neoplastic Syndromes, Hereditary; Tumor predisposition. Identifiers: Orphanet 140162, MedGen C0027672, MeSH D009386, MONDO:0015356.
Breast-ovarian cancer, familial, susceptibility to, 4. Identifiers: Orphanet 145, MedGen C3280345, MONDO:0013669, OMIM 614291.

Allele frequency attached by ClinVar (database versions not stated): gnomAD below 0.00001; ExAC 0.00001; TOPMed 0.00001.

Submissions (5):

Labcorp Genetics (formerly Invitae), Labcorp
Classification: Uncertain significance for Breast-ovarian cancer, familial, susceptibility to, 4. Last evaluated: 2026-02-01. Review status: criteria provided, single submitter. Criteria: Invitae Variant Classification Sherloc (09022015). Collection method: clinical testing. Allele origin: germline.
Comment: This sequence change replaces alanine, which is neutral and non-polar, with threonine, which is neutral and polar, at codon 63 of the RAD51D protein (p.Ala63Thr). This variant is present in population databases (rs777402267, gnomAD 0.003%). This variant has not been reported in the literature in individuals affected with RAD51D-related conditions. ClinVar contains an entry for this variant (Variation ID: 820232). Invitae Evidence Modeling of protein sequence and biophysical properties (such as structural, functional, and spatial information, amino acid conservation, physicochemical variation, residue mobility, and thermodynamic stability) indicates that this missense variant is not expected to disrupt RAD51D protein function with a negative predictive value of 80%. Studies have shown that this missense change is associated with altered splicing (PMID: 34200360). In summary, the available evidence is currently insufficient to determine the role of this variant in disease. Therefore, it has been classified as a Variant of Uncertain Significance.

Hema, HEMA – Genetic and Molecular Diagnostic Laboratory
Classification: Uncertain significance for RAD51D-related cancer predisposition. Last evaluated: 2025-02-25. Review status: criteria provided, single submitter. Criteria: HEMA Variant Classification Assertion Criteria. Collection method: clinical testing. Allele origin: germline.
Comment: It is a transition from cytosine to thymine, resulting in the substitution of alanine 63 by threonine in the RAD51D protein. PM2_Supporting: Present at very low frequency in the gnomAD database. BP4: The computational meta-predictor REVEL score = 0.243 ≤ 0.290, indicating that the variant is not likely to have an effect on the RAD51D protein.

Ambry Genetics
Classification: Uncertain significance for Hereditary cancer-predisposing syndrome. Last evaluated: 2024-01-01. Review status: criteria provided, single submitter. Criteria: Ambry Variant Classification Scheme 2023. Collection method: clinical testing. Allele origin: germline.
Comment: The p.A63T variant (also known as c.187G>A), located in coding exon 3 of the RAD51D gene, results from a G to A substitution at nucleotide position 187. The alanine at codon 63 is replaced by threonine, an amino acid with similar properties. This amino acid position is well conserved in available vertebrate species. In addition, this alteration is predicted to be tolerated by in silico analysis. Since supporting evidence is limited at this time, the clinical significance of this alteration remains unclear.

Color Diagnostics, LLC DBA Color Health
Classification: Uncertain significance for Hereditary cancer-predisposing syndrome. Last evaluated: 2023-10-30. Review status: criteria provided, single submitter. Criteria: ACMG Guidelines, 2015. Collection method: clinical testing. Allele origin: germline.
Comment: This missense variant replaces alanine with threonine at codon 63 of the RAD51D protein. Computational prediction suggests that this variant may not impact protein structure and function (internally defined REVEL score threshold <= 0.5, PMID: 27666373). To our knowledge, functional studies have not been reported for this variant. This variant has been reported to have been detected in a breast cancer case-control meta-analysis but the cancer status of the carrier was not provided (PMID: 34200360). This variant has been identified in 1/251408 chromosomes in the general population by the Genome Aggregation Database (gnomAD). The available evidence is insufficient to determine the role of this variant in disease conclusively. Therefore, this variant is classified as a Variant of Uncertain Significance.

Quest Diagnostics Nichols Institute San Juan Capistrano
Classification: Uncertain significance. Last evaluated: 2023-06-16. Review status: criteria provided, single submitter. Criteria: Quest Diagnostics criteria. Collection method: clinical testing. Allele origin: unknown.
Comment: This variant has not been reported in individuals with RAD51D -related conditions in the published literature. The frequency of this variant in the general population, 0.000004 (1/251408 chromosomes (Genome Aggregation Database)), is uninformative in the assessment of its pathogenicity. Analysis of this variant using bioinformatics tools for the prediction of the effect of amino acid changes on protein structure and function yielded conflicting predictions that this variant is benign or damaging. Based on the available information, we are unable to determine the clinical significance of this variant.

Literature cited by the submitters: PubMed 34200360 (cited by Labcorp Genetics (formerly Invitae), Labcorp and Color Diagnostics, LLC DBA Color Health).